The following is an entry in ClinVar:

ClinVar aggregate classification (germline): Uncertain significance (1 of 4 stars; one submission).

Submission:

Women's Health and Genetics/Laboratory Corporation of America, LabCorp
Classification: Uncertain significance. Last evaluated: 2025-07-11. Review status: criteria provided, single submitter. Criteria: LabCorp Variant Classification Summary - May 2015. Collection method: clinical testing. Allele origin: germline.
Comment: Variant summary: H4C3 c.-6G>C is located in the untranslated mRNA region upstream of the initiation codon. The variant was absent in 277828 control chromosomes. The available data on variant occurrences in the general population are insufficient to allow any conclusion about variant significance. To our knowledge, no occurrence of c.-6G>C in individuals affected with Tessadori-Van Haaften Neurodevelopmental Syndrome 1 and no experimental evidence demonstrating its impact on protein function have been reported. No submitters have cited clinical-significance assessments for this variant to ClinVar. Based on the evidence outlined above, the variant was classified as uncertain significance.

NM_003542.4(H4C3):c.-6G>C

Gene: H4C3 (H4 clustered histone 3; plus strand). Cytogenetic location: 6p22.2.
Variant type: single nucleotide variant.
Coding change: c.-6G>C on transcript NM_003542.4 (MANE Select); 6 bases upstream of the start codon, G replaced by C.
Molecular consequence: 5 prime UTR variant.
Genome position (GRCh38, 1-based): chr6:26,103,942, G>C. VCF-style: chr6-26103942-G-C. GRCh37 (hg19) VCF-style: chr6-26104170-G-C.
Identifiers: ClinVar variation 4525975 (VCV004525975.1).
Genomic context (GRCh38, chr6:26,103,942, plus strand): 5'-ATCAGGTCCGCCAAGTTTGTATTTAAGGAACTGTTTCAGTTCATACCTTCCACTGCGATA[G>C]GAATCATGTCTGGTCGCGGCAAAGGCGGAAAAGGCTTGGGGAAGGGTGGTGCTAAGCGCC-3'